The following is an entry in ClinVar:

ClinVar aggregate classification (germline): Uncertain significance (1 of 4 stars; one submission).

Submission:

GeneDx
Classification: Uncertain significance. Last evaluated: 2025-01-09. Review status: criteria provided, single submitter. Criteria: GeneDx Variant Classification Process June 2021. Collection method: clinical testing. Allele origin: germline. Affected: yes.
Comment: Not observed at significant frequency in large population cohorts (gnomAD); In silico analysis indicates that this missense variant does not alter protein structure/function; Has not been previously published as pathogenic or benign to our knowledge.

NM_005445.4(SMC3):c.3550G>A (p.Asp1184Asn)

Gene: SMC3 (structural maintenance of chromosomes 3; plus strand). Cytogenetic location: 10q25.2.
Variant type: single nucleotide variant.
Coding change: c.3550G>A on transcript NM_005445.4 (MANE Select); coding-DNA position 3550, G replaced by A.
Protein change: p.Asp1184Asn; replaces aspartic acid 1184 with asparagine.
Molecular consequence: missense variant.
Genome position (GRCh38, 1-based): chr10:110,603,258, G>A. VCF-style: chr10-110603258-G-A. GRCh37 (hg19) VCF-style: chr10-112363016-G-A.
Other names: short protein forms D1184N.
Identifiers: ClinVar variation 4057030 (VCV004057030.1).